The following is an entry in ClinVar:

ClinVar aggregate classification (germline): Benign/Likely benign. Review status: criteria provided, multiple submitters, no conflicts (2 of 4 stars). 21 submissions from 20 submitters: Benign (18); Likely benign (1). 2 of the submissions do not count toward it. Last evaluated 2026-05-15.

Conditions:
Hereditary cancer-predisposing syndrome. Also called: Tumor predisposition; Hereditary Cancer Syndrome; Neoplastic Syndromes, Hereditary; Hereditary neoplastic syndrome. Identifiers: Orphanet 140162, MedGen C0027672, MeSH D009386, MONDO:0015356.
Neurofibromatosis, familial spinal (FSNF). Identifiers: Orphanet 636, MedGen C1834235, MONDO:0008078, OMIM 162210. Disease mechanism: loss of function.
Juvenile myelomonocytic leukemia (JMML). Also called: LEUKEMIA, JUVENILE MYELOMONOCYTIC, SOMATIC. Identifiers: Orphanet 86834, MedGen C0349639, MONDO:0011908, OMIM 607785, HP:0012209.
Neurofibromatosis-Noonan syndrome (NFNS). Also called: NEUROFIBROMATOSIS WITH NOONAN PHENOTYPE. Identifiers: Orphanet 638, MedGen C2931482, MONDO:0011035, OMIM 601321. Disease mechanism: loss of function.
Café-au-lait macules with pulmonary stenosis (WTSN). Also called: PULMONIC STENOSIS WITH CAFE-AU-LAIT SPOTS. Identifiers: MedGen C0553586, MONDO:0008672, OMIM 193520.
Neurofibromatosis, type 1 (NF1). Also called: Neurofibromatosis, type I; NEUROFIBROMATOSIS, TYPE I, SOMATIC; Peripheral type neurofibromatosis; VON RECKLINGHAUSEN DISEASE. Identifiers: Orphanet 636, MedGen C0027831, MONDO:0018975, OMIM 162200. Disease mechanism: loss of function.

Allele frequency attached by ClinVar (database versions not stated): gnomAD exomes 0.00089 and 0.00213; ExAC 0.00268; gnomAD 0.00847 and 0.00908; ESP Exome Variant Server 0.00877; 1000 Genomes Project 0.00938; TOPMed 0.00939; 1000 Genomes Project 30x 0.00984.
gnomAD v4.1: 2,658 of 1,613,546 alleles (0.16%); highest among the groups gnomAD compares: African/African-American, 3.1%; 44 homozygotes.

Submissions (21):

Myriad Genetics, Inc.
Classification: Benign for Neurofibromatosis, type 1. Last evaluated: 2026-05-15. Review status: criteria provided, single submitter. Criteria: Myriad Autosomal Dominant, Autosomal Recessive and X-Linked Classification Criteria (2023). Collection method: clinical testing. Allele origin: unknown.
Comment: This variant is considered benign. This variant is a silent/synonymous amino acid change and it is not expected to impact splicing.

Labcorp Genetics (formerly Invitae), Labcorp
Classification: Benign for Neurofibromatosis, type 1. Last evaluated: 2026-02-04. Review status: criteria provided, single submitter. Criteria: Invitae Variant Classification Sherloc (09022015). Collection method: clinical testing. Allele origin: germline.

KCCC/NGS Laboratory, Kuwait Cancer Control Center
Classification: Benign for Neurofibromatosis, type 1. Last evaluated: 2025-02-01. Review status: criteria provided, single submitter. Criteria: ACMG Guidelines, 2015. Collection method: clinical testing. Allele origin: germline. Affected: no.

Athena Diagnostics
Classification: Benign. Last evaluated: 2025-01-07. Review status: criteria provided, single submitter. Criteria: Athena Diagnostics Criteria. Collection method: clinical testing. Allele origin: unknown.
Comment: The frequency of this variant in the general population is higher than would generally be expected for pathogenic variants in this gene.

ARUP Laboratories, Molecular Genetics and Genomics, ARUP Laboratories
Classification: Benign. Last evaluated: 2024-12-23. Review status: criteria provided, single submitter. Criteria: ARUP Molecular Germline Variant Investigation Process 2024. Collection method: clinical testing. Allele origin: germline.

Blueprint Genetics
Classification: Benign. Last evaluated: 2024-11-01. Review status: criteria provided, single submitter. Criteria: ACMG Guidelines, 2015. Collection method: clinical testing. Allele origin: germline.

Mayo Clinic Laboratories, Mayo Clinic
Classification: Benign. Last evaluated: 2024-08-08. Review status: criteria provided, single submitter. Criteria: ACMG Guidelines, 2015. Collection method: clinical testing. Allele origin: germline. Observed: 7 variant alleles.
Comment: BS1, BS2, BP4, BP7

KCCC/NGS Laboratory, Kuwait Cancer Control Center
Classification: Benign for Neurofibromatosis, familial spinal. Last evaluated: 2023-07-07. Review status: criteria provided, single submitter. Criteria: ACMG Guidelines, 2015. Collection method: clinical testing. Allele origin: germline. Affected: yes.

Genome-Nilou Lab
Classification: Benign for Neurofibromatosis, type 1. Last evaluated: 2022-03-15. Review status: criteria provided, single submitter. Criteria: ACMG Guidelines, 2015. Collection method: clinical testing. Allele origin: germline. Affected: no.

Fulgent Genetics
Classification: Likely benign for Neurofibromatosis, type 1; Neurofibromatosis, familial spinal; Café-au-lait macules with pulmonary stenosis; Neurofibromatosis-Noonan syndrome; Juvenile myelomonocytic leukemia. Last evaluated: 2021-11-17. Review status: criteria provided, single submitter. Criteria: ACMG Guidelines, 2015. Collection method: clinical testing. Allele origin: unknown.

Genome Diagnostics Laboratory, The Hospital for Sick Children
Classification: Benign for Neurofibromatosis, type 1. Last evaluated: 2020-10-26. Review status: criteria provided, single submitter. Criteria: ACMG Guidelines, 2015. Collection method: clinical testing. Allele origin: germline. Affected: yes.

Sema4
Classification: Benign for Hereditary cancer-predisposing syndrome. Last evaluated: 2020-04-17. Review status: criteria provided, single submitter. Criteria: Sema4 Curation Guidelines. Collection method: curation. Allele origin: germline.

Genetic Services Laboratory, University of Chicago
Classification: Benign. Last evaluated: 2018-05-03. Review status: criteria provided, single submitter. Criteria: ACMG Guidelines, 2015. Collection method: clinical testing. Allele origin: germline. Affected: no.

Women's Health and Genetics/Laboratory Corporation of America, LabCorp
Classification: Benign. Last evaluated: 2017-10-23. Review status: criteria provided, single submitter. Criteria: LabCorp Variant Classification Summary - May 2015. Collection method: clinical testing. Allele origin: germline.
Comment: Variant summary: The NF1 c.2022C>T (p.Ser674Ser) variant involves the alteration of a non-conserved nucleotide, resulting in a synonymous change. Mutation taster predicts a damaging outcome for this variant. 5/5 splice prediction tools predict no significant impact on normal splicing. ESE finder predicts that this variant may affect binding of ESE sites. However, these predictions have yet to be confirmed by functional studies. This variant was found in 757/250454 control chromosomes (gnomAD) at a frequency of 0.0030225, which is approximately 15 times the estimated maximal expected allele frequency of a pathogenic NF1 variant (0.0002084), suggesting this variant is likely a benign polymorphism. In addition, multiple clinical diagnostic laboratories/reputable databases classified this variant as benign/likely benign. Taken together, this variant is classified as benign.

GeneDx
Classification: Benign. Last evaluated: 2016-12-30. Review status: criteria provided, single submitter. Criteria: GeneDx Variant Classification (06012015). Collection method: clinical testing. Allele origin: germline. Affected: yes.
Comment: This variant is considered likely benign or benign based on one or more of the following criteria: it is a conservative change, it occurs at a poorly conserved position in the protein, it is predicted to be benign by multiple in silico algorithms, and/or has population frequency not consistent with disease.

Laboratory for Molecular Medicine, Mass General Brigham Personalized Medicine
Classification: Benign. Last evaluated: 2014-11-24. Review status: criteria provided, single submitter. Criteria: LMM Criteria. Collection method: clinical testing. Allele origin: germline. Observed: 2 variant alleles.
Comment: Ser674Ser in exon 18 of NF1: This variant is not expected to have clinical signi ficance because it does not alter an amino acid residue and is not located withi n the splice consensus sequence. It has been identified in 2.6% (113/4406) of Af rican American chromosomes from a broad population by the NHLBI Exome Sequencing Project (dbSNP rs2230851).

Ambry Genetics
Classification: Benign for Hereditary cancer-predisposing syndrome. Last evaluated: 2014-06-30. Review status: criteria provided, single submitter. Criteria: Ambry Autosomal Dominant and X-Linked criteria (10/2015). Collection method: clinical testing. Allele origin: germline. Observed: 1 variant allele.
Comment: General population or subpopulation frequency is too high to be a pathogenic mutation based on disease/syndrome prevalence and penetrance

Breakthrough Genomics
Classification: Benign. Review status: criteria provided, single submitter. Criteria: ACMG Guidelines, 2015. Collection method: not provided. Allele origin: germline. Inheritance: Autosomal dominant inheritance. Affected: yes.

PreventionGenetics, part of Exact Sciences
Classification: Benign. Review status: criteria provided, single submitter. Criteria: ACMG Guidelines, 2015. Collection method: clinical testing. Allele origin: germline.

Clinical Genetics DNA and cytogenetics Diagnostics Lab, Erasmus MC, Erasmus Medical Center
Classification: Benign. Review status: no assertion criteria provided. Collection method: clinical testing. Allele origin: germline. Affected: yes. Study: VKGL Data-share Consensus. Not counted in ClinVar's aggregate classification.

Genome Diagnostics Laboratory, Amsterdam University Medical Center
Classification: Benign. Review status: no assertion criteria provided. Collection method: clinical testing. Allele origin: germline. Affected: yes. Study: VKGL Data-share Consensus. Not counted in ClinVar's aggregate classification.

NM_001042492.3(NF1):c.2022C>T (p.Ser674=)

Gene: NF1 (neurofibromin 1; plus strand). Cytogenetic location: 17q11.2.
Variant type: single nucleotide variant.
Coding change: c.2022C>T on transcript NM_001042492.3 (MANE Select); coding-DNA position 2022, C replaced by T.
Protein change: p.Ser674=; no amino-acid change (serine 674 retained).
Molecular consequence: synonymous variant.
Genome position (GRCh38, 1-based): chr17:31,226,455, C>T. VCF-style: chr17-31226455-C-T. GRCh37 (hg19) VCF-style: chr17-29553473-C-T.
Other names: p.Ser674=; c.2022C>T, p.Ser674= (NM_000267.4).
Identifiers: ClinVar variation 141819 (VCV000141819.46), dbSNP rs2230851, ClinGen allele CA166523.